The following is an entry in ClinVar:

NM_003850.3(SUCLA2):c.803-311G>A

Gene: SUCLA2 (succinate-CoA ligase ADP-forming subunit beta; minus strand). Cytogenetic location: 13q14.2.
Variant type: single nucleotide variant.
Coding change: c.803-311G>A on transcript NM_003850.3 (MANE Select); 311 bases into the intron before coding-DNA position 803, G replaced by A.
Molecular consequence: intron variant.
Genome position (GRCh38, 1-based): chr13:47,954,868, C>T on the plus strand (G>A on the coding strand, the complement: SUCLA2 is on the minus strand). VCF-style: chr13-47954868-C-T. GRCh37 (hg19) VCF-style: chr13-48529003-C-T.
Identifiers: ClinVar variation 671999 (VCV000671999.1), dbSNP rs12860399, ClinGen allele CA249257420.

ClinVar aggregate classification (germline): Benign (1 of 4 stars; one submission).

Allele frequency attached by ClinVar (database versions not stated): 1000 Genomes Project 30x 0.10915; 1000 Genomes Project 0.11062; TOPMed 0.12029.
gnomAD v4.1: 18,919 of 152,006 alleles (12%); highest among the groups gnomAD compares: East Asian, 23%; 1,528 homozygotes.

Submission:

GeneDx
Classification: Benign. Last evaluated: 2018-06-19. Review status: criteria provided, single submitter. Criteria: GeneDx Variant Classification (06012015). Collection method: clinical testing. Allele origin: germline. Affected: yes.
Comment: This variant is considered likely benign or benign based on one or more of the following criteria: it is a conservative change, it occurs at a poorly conserved position in the protein, it is predicted to be benign by multiple in silico algorithms, and/or has population frequency not consistent with disease.